The following is an entry in ClinVar:

NM_000292.3(PHKA2):c.3533A>T (p.Asp1178Val)

Genes: PHKA2 (phosphorylase kinase regulatory subunit alpha 2; minus strand), PHKA2-AS1 (PHKA2 antisense RNA 1; plus strand). Cytogenetic location: Xp22.13.
Variant type: single nucleotide variant.
Coding change: c.3533A>T on transcript NM_000292.3 (MANE Select); coding-DNA position 3533, A replaced by T.
Protein change: p.Asp1178Val; replaces aspartic acid 1178 with valine.
Molecular consequence: missense variant. On other transcripts: non-coding transcript variant (1).
Genome position (GRCh38, 1-based): chrX:18,894,208, T>A on the plus strand (A>T on the coding strand, the complement: PHKA2 is on the minus strand). VCF-style: chrX-18894208-T-A. GRCh37 (hg19) VCF-style: chrX-18912326-T-A.
Other names: c.3350A>T, p.Asp1117Val (NM_001440804.1); c.3557A>T, p.Asp1186Val (NM_001440805.1); c.3479A>T, p.Asp1160Val (NM_001440800.1); c.3449A>T, p.Asp1150Val (NM_001440801.1); c.3434A>T, p.Asp1145Val (NM_001440802.1); c.3380A>T, p.Asp1127Val (NM_001440803.1); short protein forms D1117V, D1127V, D1145V, D1150V, D1160V, D1178V, D1186V.
Identifiers: ClinVar variation 4854660 (VCV004854660.1).

ClinVar aggregate classification (germline): Uncertain significance (1 of 4 stars; one submission).

Conditions:
Glycogen storage disease IXa1. Also called: LIVER GLYCOGENOSIS, X-LINKED, TYPE I; GLYCOGEN STORAGE DISEASE VIII; GSD VIII; Glycogen storage disease 8. Identifiers: Orphanet 264580, MedGen C3694531, MONDO:0010598, OMIM 306000.

Submission:

3billion
Classification: Uncertain significance for Glycogen storage disease IXa1. Last evaluated: 2025-10-26. Review status: criteria provided, single submitter. Criteria: ACMG Guidelines, 2015. Collection method: clinical testing. Allele origin: germline. Affected: yes.
Comment: The variant is observed at an extremely low frequency in the gnomAD v4.1.0 dataset (total allele frequency: <0.001%). Predicted Consequence/Location: Missense variant In silico tool prediction suggests damaging effect of the variant on gene or gene product [REVEL: 0.92 (>=0.6, sensitivity 0.68 and specificity 0.92)]. In silico tools predict the variant to alter splicing and produce an abnormal transcript [Splice AI: 0.82 (>=0.2 moderate evidence for spliceogenicity)]. Therefore, this variant is classified as VUS according to the recommendation of ACMG/AMP guideline.